The following is an entry in ClinVar:

ClinVar aggregate classification (germline): Uncertain significance. Review status: criteria provided, multiple submitters, no conflicts (2 of 4 stars). 2 submissions from 2 submitters: Uncertain significance (2). Last evaluated 2026-01-01.

Allele frequency attached by ClinVar (database versions not stated): gnomAD 0.00002 and 0.00004; gnomAD exomes 0.00002; ExAC 0.00003; TOPMed 0.00004.

Submissions (2):

Labcorp Genetics (formerly Invitae), Labcorp
Classification: Uncertain significance. Last evaluated: 2026-01-01. Review status: criteria provided, single submitter. Criteria: Invitae Variant Classification Sherloc (09022015). Collection method: clinical testing. Allele origin: germline.
Comment: This sequence change replaces alanine, which is neutral and non-polar, with valine, which is neutral and non-polar, at codon 62 of the RIMS1 protein (p.Ala62Val). This variant is present in population databases (rs769975046, gnomAD 0.006%). This variant has not been reported in the literature in individuals affected with RIMS1-related conditions. ClinVar contains an entry for this variant (Variation ID: 1002509). An algorithm developed to predict the effect of missense changes on protein structure and function outputs the following: PolyPhen-2: "Benign". The valine amino acid residue is found in multiple mammalian species, which suggests that this missense change does not adversely affect protein function. In summary, the available evidence is currently insufficient to determine the role of this variant in disease. Therefore, it has been classified as a Variant of Uncertain Significance.

Blueprint Genetics
Classification: Uncertain significance. Last evaluated: 2024-07-22. Review status: criteria provided, single submitter. Criteria: ACMG Guidelines, 2015. Collection method: clinical testing. Allele origin: germline.

NM_014989.7(RIMS1):c.185C>T (p.Ala62Val)

Gene: RIMS1 (regulating synaptic membrane exocytosis 1; plus strand). Cytogenetic location: 6q13.
Variant type: single nucleotide variant.
Coding change: c.185C>T on transcript NM_014989.7 (MANE Select); coding-DNA position 185, C replaced by T.
Protein change: p.Ala62Val; replaces alanine 62 with valine.
Molecular consequence: missense variant. On other transcripts: intron variant (1).
Genome position (GRCh38, 1-based): chr6:71,969,003, C>T. VCF-style: chr6-71969003-C-T. GRCh37 (hg19) VCF-style: chr6-72678706-C-T.
Other names: c.185C>T, p.Ala62Val (NM_001350411.1, NM_001350413.1); c.164+81816C>T (NM_001350412.1); short protein forms A62V.
Identifiers: ClinVar variation 1002509 (VCV001002509.9), dbSNP rs769975046, ClinGen allele CA3885419.
Genomic context (GRCh38, chr6:71,969,003, plus strand): 5'-ATAATTAATAGTGCGTTGTGCTGTCTATCATGCGCCCCAGGTGTGTTGTCAGGGACATGG[C>T]GAAGCCTGCTGCCTGCAAAACACCAAGAAATGCTGAAAACCAGCCCCACCAACCTTCACC-3'
Protein context (NP_055804.2, residues 52-72): AMLKCVVRDM[Ala62Val]KPAACKTPRN